The following is an entry in ClinVar:

ClinVar aggregate classification (germline): Uncertain significance. Review status: criteria provided, multiple submitters, no conflicts (2 of 4 stars). 4 submissions from 4 submitters: Uncertain significance (4). Last evaluated 2025-06-11.

Conditions:
Inborn genetic diseases. Identifiers: MedGen C0950123, MeSH D030342.
Ullrich congenital muscular dystrophy 2 (UCMD2). Identifiers: Orphanet 75840, MedGen C4225314, MONDO:0014654, OMIM 616470.
Bethlem myopathy 2 (BTHLM2). Identifiers: Orphanet 536516, Orphanet 610, MedGen C4225313, MONDO:0034022, OMIM 616471.

Allele frequency attached by ClinVar (database versions not stated): gnomAD exomes below 0.00001 and 0.00006; TOPMed 0.00003; gnomAD 0.00005 and 0.00006; ESP Exome Variant Server 0.00008.
gnomAD v4.1: 85 of 1,612,072 alleles (0.0053%); highest among the groups gnomAD compares: Non-Finnish European, 0.007%; no homozygotes.

Submissions (4):

Labcorp Genetics (formerly Invitae), Labcorp
Classification: Uncertain significance for Bethlem myopathy 2; Ullrich congenital muscular dystrophy 2. Last evaluated: 2025-06-11. Review status: criteria provided, single submitter. Criteria: Invitae Variant Classification Sherloc (09022015). Collection method: clinical testing. Allele origin: germline.
Comment: This sequence change replaces aspartic acid, which is acidic and polar, with asparagine, which is neutral and polar, at codon 2181 of the COL12A1 protein (p.Asp2181Asn). This variant is present in population databases (rs368397177, gnomAD 0.002%). This variant has not been reported in the literature in individuals affected with COL12A1-related conditions. ClinVar contains an entry for this variant (Variation ID: 955379). Invitae Evidence Modeling of protein sequence and biophysical properties (such as structural, functional, and spatial information, amino acid conservation, physicochemical variation, residue mobility, and thermodynamic stability) indicates that this missense variant is expected to disrupt COL12A1 protein function with a positive predictive value of 80%. In summary, the available evidence is currently insufficient to determine the role of this variant in disease. Therefore, it has been classified as a Variant of Uncertain Significance.

GeneDx
Classification: Uncertain significance. Last evaluated: 2024-09-11. Review status: criteria provided, single submitter. Criteria: GeneDx Variant Classification Process June 2021. Collection method: clinical testing. Allele origin: germline. Affected: yes.
Comment: Reported previously as a de novo variant in a patient with a developmental disorder; however, no further clinical information was provided and the patient harbored another de novo variant (PMID: 33057194, 35982159); Not observed at significant frequency in large population cohorts (gnomAD); In silico analysis indicates that this missense variant does not alter protein structure/function; This variant is associated with the following publications: (PMID: 35982159, 33057194)

Ambry Genetics
Classification: Uncertain significance for Inborn genetic diseases. Last evaluated: 2021-11-16. Review status: criteria provided, single submitter. Criteria: Ambry Variant Classification Scheme 2023. Collection method: clinical testing. Allele origin: germline.

Revvity Omics, Revvity
Classification: Uncertain significance. Last evaluated: 2019-06-25. Review status: criteria provided, single submitter. Criteria: ACMG Guidelines, 2015. Collection method: clinical testing. Allele origin: germline.

NM_004370.6(COL12A1):c.6541G>A (p.Asp2181Asn)

Gene: COL12A1 (collagen type XII alpha 1 chain; minus strand). Cytogenetic location: 6q13.
Variant type: single nucleotide variant.
Coding change: c.6541G>A on transcript NM_004370.6 (MANE Select); coding-DNA position 6541, G replaced by A.
Protein change: p.Asp2181Asn; replaces aspartic acid 2181 with asparagine.
Molecular consequence: missense variant.
Genome position (GRCh38, 1-based): chr6:75,125,193, C>T on the plus strand (G>A on the coding strand, the complement: COL12A1 is on the minus strand). VCF-style: chr6-75125193-C-T. GRCh37 (hg19) VCF-style: chr6-75834909-C-T.
Other names: c.3049G>A, p.Asp1017Asn (NM_080645.3); short protein forms D2181N, D1017N.
Identifiers: ClinVar variation 955379 (VCV000955379.14), dbSNP rs368397177, ClinGen allele CA140983339.